The following is an entry in ClinVar:

NM_032808.7(LINGO1):c.1566C>G (p.Pro522=)

Gene: LINGO1 (leucine rich repeat and Ig domain containing 1; minus strand). Cytogenetic location: 15q24.3.
Variant type: single nucleotide variant.
Coding change: c.1566C>G on transcript NM_032808.7 (MANE Select); coding-DNA position 1566, C replaced by G.
Protein change: p.Pro522=; no amino-acid change (proline 522 retained).
Molecular consequence: synonymous variant.
Genome position (GRCh38, 1-based): chr15:77,614,341, G>C on the plus strand (C>G on the coding strand, the complement: LINGO1 is on the minus strand). VCF-style: chr15-77614341-G-C. GRCh37 (hg19) VCF-style: chr15-77906683-G-C.
Other names: c.1548C>G, p.Pro516= (NM_001301186.2, NM_001301187.2, NM_001301189.2 and 8 more transcripts).
Identifiers: ClinVar variation 5038914 (VCV005038914.1).
Genomic context (GRCh38, chr15:77,614,341, plus strand): 5'-GTTGGCCTCTCCCTCGCCCGGCTGGTTGGAGATGAAAGCGAAGGTCTTGTTGGGCTGATG[G>C]GGCCAGTCGGGCGAGTAGCTGCGCACATGCAGGTGGGCGGGCATGGAGTCGTTGCCGCCC-3'
Protein context (NP_116197.4, residues 512-532): LHVRSYSPDW[Pro522=]HQPNKTFAFI

ClinVar aggregate classification (germline): Likely benign (1 of 4 stars; one submission).

gnomAD v4.1: 103 of 1,613,788 alleles (0.0064%); highest among the groups gnomAD compares: Non-Finnish European, 0.0074%; no homozygotes.

Submission:

CeGaT Center for Human Genetics Tuebingen
Classification: Likely benign. Last evaluated: 2026-07-01. Review status: criteria provided, single submitter. Criteria: CeGaT Center For Human Genetics Tuebingen Variant Classification Criteria Version 2. Collection method: clinical testing. Allele origin: germline. Affected: yes. Observed: 1 variant allele.
Comment: LINGO1: BP4, BP7